The following is an entry in ClinVar:

NM_001457.4(FLNB):c.1869C>T (p.Asp623=)

Gene: FLNB (filamin B; plus strand). Cytogenetic location: 3p14.3.
Variant type: single nucleotide variant.
Coding change: c.1869C>T on transcript NM_001457.4 (MANE Select); coding-DNA position 1869, C replaced by T.
Protein change: p.Asp623=; no amino-acid change (aspartic acid 623 retained).
Molecular consequence: synonymous variant.
Genome position (GRCh38, 1-based): chr3:58,106,801, C>T. VCF-style: chr3-58106801-C-T. GRCh37 (hg19) VCF-style: chr3-58092528-C-T.
Other names: c.1869C>T, p.Asp623= (NM_001164317.2, NM_001164318.2, NM_001164319.2).
Identifiers: ClinVar variation 258100 (VCV000258100.18), dbSNP rs2140104, ClinGen allele CA2467944.

ClinVar aggregate classification (germline): Benign. Review status: criteria provided, multiple submitters, no conflicts (2 of 4 stars). 7 submissions from 7 submitters: Benign (7). Last evaluated 2026-02-04.

Conditions:
Connective tissue disorder. Also called: Connective tissue disease. Identifiers: MedGen C0009782, MONDO:0003900.
FLNB-Related Spectrum Disorders.

Allele frequency attached by ClinVar (database versions not stated): 1000 Genomes Project 30x 0.02748; 1000 Genomes Project 0.02835; gnomAD exomes 0.03586; ExAC 0.03720; TOPMed 0.04241; gnomAD 0.04343 and 0.04479; ESP Exome Variant Server 0.04982.
gnomAD v4.1: 70,444 of 1,613,896 alleles (4.4%); highest among the groups gnomAD compares: African/African-American, 5.1%; 1,689 homozygotes.

Submissions (7):

Labcorp Genetics (formerly Invitae), Labcorp
Classification: Benign. Last evaluated: 2026-02-04. Review status: criteria provided, single submitter. Criteria: Invitae Variant Classification Sherloc (09022015). Collection method: clinical testing. Allele origin: germline.

Blueprint Genetics
Classification: Benign. Last evaluated: 2024-11-26. Review status: criteria provided, single submitter. Criteria: ACMG Guidelines, 2015. Collection method: clinical testing. Allele origin: germline.

Genome Diagnostics Laboratory, The Hospital for Sick Children
Classification: Benign for Connective tissue disorder. Last evaluated: 2022-05-12. Review status: criteria provided, single submitter. Criteria: ACMG Guidelines, 2015. Collection method: clinical testing. Allele origin: germline.

Illumina Laboratory Services, Illumina
Classification: Benign for FLNB-Related Spectrum Disorders. Last evaluated: 2018-01-12. Review status: criteria provided, single submitter. Criteria: ICSL Variant Classification Criteria 13 December 2019. Collection method: clinical testing. Allele origin: germline.
Comment: This variant was observed in the ICSL laboratory as part of a predisposition screen in an ostensibly healthy population. It had not been previously curated by ICSL or reported in the Human Gene Mutation Database (HGMD: prior to June 1st, 2018), and was therefore a candidate for classification through an automated scoring system. Utilizing variant allele frequency, disease prevalence and penetrance estimates, and inheritance mode, an automated score was calculated to assess if this variant is too frequent to cause the disease. Based on the score and internal cut-off values, a variant classified as benign is not then subjected to further curation. The score for this variant resulted in a classification of benign for this disease.

GeneDx
Classification: Benign. Last evaluated: 2016-03-03. Review status: criteria provided, single submitter. Criteria: GeneDx Variant Classification (06012015). Collection method: clinical testing. Allele origin: germline. Affected: yes.
Comment: This variant is considered likely benign or benign based on one or more of the following criteria: it is a conservative change, it occurs at a poorly conserved position in the protein, it is predicted to be benign by multiple in silico algorithms, and/or has population frequency not consistent with disease.

Breakthrough Genomics
Classification: Benign. Review status: criteria provided, single submitter. Criteria: ACMG Guidelines, 2015. Collection method: not provided. Allele origin: germline. Inheritance: Autosomal recessive inheritance. Affected: yes.

PreventionGenetics, part of Exact Sciences
Classification: Benign. Review status: criteria provided, single submitter. Criteria: ACMG Guidelines, 2015. Collection method: clinical testing. Allele origin: germline.